The following is an entry in ClinVar:

NM_000038.6(APC):c.3320C>T (p.Ala1107Val)

Gene: APC (APC regulator of Wnt signaling pathway; plus strand). Cytogenetic location: 5q22.2.
Variant type: single nucleotide variant.
Coding change: c.3320C>T on transcript NM_000038.6 (MANE Select); coding-DNA position 3320, C replaced by T.
Protein change: p.Ala1107Val; replaces alanine 1107 with valine.
Molecular consequence: missense variant.
Genome position (GRCh38, 1-based): chr5:112,838,914, C>T. VCF-style: chr5-112838914-C-T. GRCh37 (hg19) VCF-style: chr5-112174611-C-T.
Other names: c.3320C>T, p.Ala1107Val (NM_001127510.3, NM_001354895.2); c.3266C>T, p.Ala1089Val (NM_001127511.3); c.3374C>T, p.Ala1125Val (NM_001354896.2); c.3350C>T, p.Ala1117Val (NM_001354897.2); c.3245C>T, p.Ala1082Val (NM_001354898.2); c.3236C>T, p.Ala1079Val (NM_001354899.2); c.3197C>T, p.Ala1066Val (NM_001354900.2); c.3143C>T, p.Ala1048Val (NM_001354901.2); and 5 more; short protein forms A1006V, A1048V, A1066V, A1089V, A981V, A1082V, A1107V, A1125V.
Identifiers: ClinVar variation 849086 (VCV000849086.16), dbSNP rs1765393874, ClinGen allele CA16028617.

ClinVar aggregate classification (germline): Uncertain significance. Review status: criteria provided, multiple submitters, no conflicts (2 of 4 stars). 3 submissions from 3 submitters: Uncertain significance (3). Last evaluated 2025-05-27.

Conditions:
Familial adenomatous polyposis 1 (FAP1). Also called: FAMILIAL ADENOMATOUS POLYPOSIS 1, ATTENUATED; POLYPOSIS, ADENOMATOUS INTESTINAL. Identifiers: MedGen C2713442, MONDO:0021056, OMIM 175100. Disease mechanism: loss of function.
Hereditary cancer-predisposing syndrome. Also called: Tumor predisposition; Neoplastic Syndromes, Hereditary; Hereditary neoplastic syndrome; Hereditary Cancer Syndrome. Identifiers: Orphanet 140162, MedGen C0027672, MeSH D009386, MONDO:0015356.

Submissions (3):

Labcorp Genetics (formerly Invitae), Labcorp
Classification: Uncertain significance for Familial adenomatous polyposis 1. Last evaluated: 2025-05-27. Review status: criteria provided, single submitter. Criteria: Invitae Variant Classification Sherloc (09022015). Collection method: clinical testing. Allele origin: germline.
Comment: This sequence change replaces alanine, which is neutral and non-polar, with valine, which is neutral and non-polar, at codon 1107 of the APC protein (p.Ala1107Val). This variant is not present in population databases (gnomAD no frequency). This variant has not been reported in the literature in individuals affected with APC-related conditions. ClinVar contains an entry for this variant (Variation ID: 849086). Invitae Evidence Modeling of protein sequence and biophysical properties (such as structural, functional, and spatial information, amino acid conservation, physicochemical variation, residue mobility, and thermodynamic stability) indicates that this missense variant is not expected to disrupt APC protein function with a negative predictive value of 95%. In summary, the available evidence is currently insufficient to determine the role of this variant in disease. Therefore, it has been classified as a Variant of Uncertain Significance.

Color Diagnostics, LLC DBA Color Health
Classification: Uncertain significance for Hereditary cancer-predisposing syndrome. Last evaluated: 2025-05-13. Review status: criteria provided, single submitter. Criteria: ACMG Guidelines, 2015. Collection method: clinical testing. Allele origin: germline.
Comment: This missense variant replaces alanine with valine at codon 1107 of the APC protein. Computational prediction suggests that this variant may not impact protein structure and function. To our knowledge, functional studies have not been reported for this variant. This variant has not been reported in individuals affected with APC-related disorders in the literature. This variant has not been identified in the general population by the Genome Aggregation Database (gnomAD). The available evidence is insufficient to determine the role of this variant in disease conclusively. Therefore, this variant is classified as a Variant of Uncertain Significance.

Baylor Genetics
Classification: Uncertain significance for Familial adenomatous polyposis 1. Last evaluated: 2023-09-13. Review status: criteria provided, single submitter. Criteria: ACMG Guidelines, 2015. Collection method: clinical testing. Allele origin: unknown.